The following is an entry in ClinVar:

NM_002386.4(MC1R):c.569T>A (p.Leu190Gln)

Gene: MC1R (melanocortin 1 receptor; plus strand). Cytogenetic location: 16q24.3.
Variant type: single nucleotide variant.
Coding change: c.569T>A on transcript NM_002386.4 (MANE Select); coding-DNA position 569, T replaced by A.
Protein change: p.Leu190Gln; replaces leucine 190 with glutamine.
Molecular consequence: missense variant.
Genome position (GRCh38, 1-based): chr16:89,919,827, T>A. VCF-style: chr16-89919827-T-A. GRCh37 (hg19) VCF-style: chr16-89986235-T-A.
Other names: short protein forms L190Q.
Identifiers: ClinVar variation 4104848 (VCV004104848.1).

ClinVar aggregate classification (germline): Uncertain significance (1 of 4 stars; one submission).

Submission:

Ambry Genetics
Classification: Uncertain significance. Last evaluated: 2025-07-03. Review status: criteria provided, single submitter. Criteria: Ambry Variant Classification Scheme 2023. Collection method: clinical testing. Allele origin: germline.
Comment: The p.L190Q variant (also known as c.569T>A), located in coding exon 1 of the MC1R gene, results from a T to A substitution at nucleotide position 569. The leucine at codon 190 is replaced by glutamine, an amino acid with dissimilar properties. This amino acid position is conserved. In addition, this alteration is predicted to be tolerated by in silico analysis. Based on the available evidence, the clinical significance of this variant remains unclear.